The following is an entry in ClinVar:

ClinVar aggregate classification (germline): Uncertain significance. Review status: criteria provided, multiple submitters, no conflicts (2 of 4 stars). 2 submissions from 2 submitters: Uncertain significance (2). Last evaluated 2024-04-23.

Conditions:
Inborn genetic diseases. Identifiers: MedGen C0950123, MeSH D030342.

Submissions (2):

Ambry Genetics
Classification: Uncertain significance for Inborn genetic diseases. Last evaluated: 2024-04-23. Review status: criteria provided, single submitter. Criteria: Ambry Variant Classification Scheme 2023. Collection method: clinical testing. Allele origin: germline.

GeneDx
Classification: Uncertain significance. Last evaluated: 2023-07-12. Review status: criteria provided, single submitter. Criteria: GeneDx Variant Classification Process June 2021. Collection method: clinical testing. Allele origin: germline. Affected: yes.
Comment: Not observed at significant frequency in large population cohorts (gnomAD); In silico analysis supports that this missense variant does not alter protein structure/function; Has not been previously published as pathogenic or benign to our knowledge

NM_032620.4(GTPBP3):c.263G>A (p.Gly88Glu)

Gene: GTPBP3 (GTP binding protein 3, mitochondrial; plus strand). Cytogenetic location: 19p13.11.
Variant type: single nucleotide variant.
Coding change: c.263G>A on transcript NM_032620.4 (MANE Select); coding-DNA position 263, G replaced by A.
Protein change: p.Gly88Glu; replaces glycine 88 with glutamic acid.
Molecular consequence: missense variant.
Genome position (GRCh38, 1-based): chr19:17,338,217, G>A. VCF-style: chr19-17338217-G-A. GRCh37 (hg19) VCF-style: chr19-17449026-G-A.
Other names: c.263G>A, p.Gly88Glu (NM_001128855.3, NM_133644.4); c.329G>A, p.Gly110Glu (NM_001195422.1); short protein forms G110E, G88E.
Identifiers: ClinVar variation 2572951 (VCV002572951.2), dbSNP rs754158120, ClinGen allele CA404732242.